The following is an entry in ClinVar:

NM_001167.4(XIAP):c.1429G>A (p.Ala477Thr)

Gene: XIAP (X-linked inhibitor of apoptosis; plus strand). Cytogenetic location: Xq25.
Variant type: single nucleotide variant.
Coding change: c.1429G>A on transcript NM_001167.4 (MANE Select); coding-DNA position 1429, G replaced by A.
Protein change: p.Ala477Thr; replaces alanine 477 with threonine.
Molecular consequence: missense variant. On other transcripts: non-coding transcript variant (2).
Genome position (GRCh38, 1-based): chrX:123,907,116, G>A. VCF-style: chrX-123907116-G-A. GRCh37 (hg19) VCF-style: chrX-123040966-G-A.
Other names: c.1429G>A, p.Ala477Thr (NM_001204401.2, NM_001378590.1, NM_001378591.1 and 1 more transcripts); short protein forms A477T.
Identifiers: ClinVar variation 1958008 (VCV001958008.5), dbSNP rs2522625516, ClinGen allele CA414128158.

ClinVar aggregate classification (germline): Uncertain significance (1 of 4 stars; one submission).

Conditions:
X-linked lymphoproliferative disease due to XIAP deficiency. Also called: XIAP-Related Lymphoproliferative Disease, X-Linked; XIAP DEFICIENCY. Identifiers: Orphanet 2442, Orphanet 538934, MedGen C1845076, MONDO:0010385, OMIM 300635.

Allele frequency attached by ClinVar (database versions not stated): gnomAD exomes 0.00001.

Submission:

Labcorp Genetics (formerly Invitae), Labcorp
Classification: Uncertain significance for X-linked lymphoproliferative disease due to XIAP deficiency. Last evaluated: 2022-07-30. Review status: criteria provided, single submitter. Criteria: Invitae Variant Classification Sherloc (09022015). Collection method: clinical testing. Allele origin: germline.
Comment: This sequence change replaces alanine, which is neutral and non-polar, with threonine, which is neutral and polar, at codon 477 of the XIAP protein (p.Ala477Thr). In summary, the available evidence is currently insufficient to determine the role of this variant in disease. Therefore, it has been classified as a Variant of Uncertain Significance. Algorithms developed to predict the effect of missense changes on protein structure and function are either unavailable or do not agree on the potential impact of this missense change (SIFT: "Not Available"; PolyPhen-2: "Possibly Damaging"; Align-GVGD: "Not Available"). This variant has not been reported in the literature in individuals affected with XIAP-related conditions. This variant is not present in population databases (gnomAD no frequency).